The following is an entry in ClinVar:

ClinVar aggregate classification (germline): Uncertain significance. Review status: criteria provided, multiple submitters, no conflicts (2 of 4 stars). 2 submissions from 2 submitters: Uncertain significance (2). Last evaluated 2022-11-28.

Conditions:
Familial focal epilepsy with variable foci (FPEVF). Identifiers: Orphanet 98820, MedGen C1858477, MONDO:0020310.

Allele frequency attached by ClinVar (database versions not stated): TOPMed below 0.00001.

Submissions (2):

GeneDx
Classification: Uncertain significance. Last evaluated: 2022-11-28. Review status: criteria provided, single submitter. Criteria: GeneDx Variant Classification Process June 2021. Collection method: clinical testing. Allele origin: germline. Affected: yes.
Comment: Not observed at significant frequency in large population cohorts (gnomAD); In silico analysis supports that this missense variant does not alter protein structure/function; Has not been previously published as pathogenic or benign to our knowledge

Labcorp Genetics (formerly Invitae), Labcorp
Classification: Uncertain significance for Familial focal epilepsy with variable foci. Last evaluated: 2022-02-28. Review status: criteria provided, single submitter. Criteria: Invitae Variant Classification Sherloc (09022015). Collection method: clinical testing. Allele origin: germline.
Comment: In summary, the available evidence is currently insufficient to determine the role of this variant in disease. Therefore, it has been classified as a Variant of Uncertain Significance. Algorithms developed to predict the effect of missense changes on protein structure and function are either unavailable or do not agree on the potential impact of this missense change (SIFT: "Deleterious"; PolyPhen-2: "Not Available"; Align-GVGD: "Class C0"). This variant has not been reported in the literature in individuals affected with DEPDC5-related conditions. This variant is not present in population databases (gnomAD no frequency). This sequence change replaces asparagine, which is neutral and polar, with threonine, which is neutral and polar, at codon 325 of the DEPDC5 protein (p.Asn325Thr).

NM_001242896.3(DEPDC5):c.974A>C (p.Asn325Thr)

Gene: DEPDC5 (DEP domain containing 5, GATOR1 subcomplex subunit; plus strand). Cytogenetic location: 22q12.3.
Variant type: single nucleotide variant.
Coding change: c.974A>C on transcript NM_001242896.3 (MANE Select); coding-DNA position 974, A replaced by C.
Protein change: p.Asn325Thr; replaces asparagine 325 with threonine.
Molecular consequence: missense variant. On other transcripts: non-coding transcript variant (5).
Genome position (GRCh38, 1-based): chr22:31,802,731, A>C. VCF-style: chr22-31802731-A-C. GRCh37 (hg19) VCF-style: chr22-32198717-A-C.
Other names: c.974A>C, p.Asn325Thr (NM_001007188.4, NM_001136029.4, NM_001242897.2 and 7 more transcripts); c.890A>C, p.Asn297Thr (NM_001369901.1, NM_001369902.1); c.974A>C (NM_001242896.1); short protein forms N297T, N325T.
Identifiers: ClinVar variation 2067113 (VCV002067113.5), dbSNP rs2087011420, ClinGen allele CA411292789.
Genomic context (GRCh38, chr22:31,802,731, plus strand): 5'-ATCATTATTGTGGAATTTTTGTTTTATTTCTAGTGTTTGATAAGCACTACATCAACCGCA[A>C]CTTTGACCGAACTGGGCAGATGTCAGTGGTGATCACGCCCGGGGTGGGTGTCTTTGAAGT-3'
Protein context (NP_001229825.1, residues 315-335): NVFDKHYINR[Asn325Thr]FDRTGQMSVV